The following is an entry in ClinVar:

NM_001370259.2(MEN1):c.1350+3G>A

Gene: MEN1 (menin 1; minus strand). Cytogenetic location: 11q13.1.
Variant type: single nucleotide variant.
Coding change: c.1350+3G>A on transcript NM_001370259.2 (MANE Select); 3 bases into the intron after coding-DNA position 1350, G replaced by A.
Molecular consequence: intron variant.
Genome position (GRCh38, 1-based): chr11:64,805,031, C>T on the plus strand (G>A on the coding strand, the complement: MEN1 is on the minus strand). VCF-style: chr11-64805031-C-T. GRCh37 (hg19) VCF-style: chr11-64572503-C-T.
Other names: c.1365+3G>A (NM_130804.3, NM_130803.3, NM_000244.4 and 3 more transcripts); c.1350+3G>A (NM_130799.3, NM_001370260.2, NM_001370261.2); c.1476+3G>A (NM_001370251.2); c.1245+3G>A (NM_001370263.2, NM_001370262.2).
Identifiers: ClinVar variation 1770581 (VCV001770581.6), dbSNP rs769835611, ClinGen allele CA2580084446.

ClinVar aggregate classification (germline): Conflicting classifications of pathogenicity. Review status: criteria provided, conflicting classifications (1 of 4 stars). 3 submissions from 3 submitters: Uncertain significance (2); Likely benign (1). Last evaluated 2026-02-03.

Conditions:
Multiple endocrine neoplasia, type 1 (MEN1). Also called: MEN I; WERMER SYNDROME; MEA I; Endocrine adenomatosis multiple; MEN 1. Identifiers: Orphanet 652, MedGen C0025267, MeSH D018761, MONDO:0007540, OMIM 131100.
Hereditary cancer-predisposing syndrome. Also called: Tumor predisposition; Hereditary Cancer Syndrome; Hereditary neoplastic syndrome; Neoplastic Syndromes, Hereditary. Identifiers: Orphanet 140162, MedGen C0027672, MeSH D009386, MONDO:0015356.

gnomAD v4.1: 1 of 1,613,630 alleles (0.000062%); highest among the groups gnomAD compares: Non-Finnish European, 0.000085%; no homozygotes.

Submissions (3):

Ambry Genetics
Classification: Uncertain significance for Hereditary cancer-predisposing syndrome. Last evaluated: 2026-02-03. Review status: criteria provided, single submitter. Criteria: Ambry Variant Classification Scheme 2023. Collection method: clinical testing. Allele origin: germline.
Comment: The c.1350+3G>A intronic variant results from a G to A substitution 3 nucleotides after coding exon 8 in the MEN1 gene. This nucleotide position is well conserved in available vertebrate species. In silico splice site analysis predicts that this alteration will not have any significant effect on splicing. Based on the available evidence, the clinical significance of this variant remains unclear.

Labcorp Genetics (formerly Invitae), Labcorp
Classification: Uncertain significance for Multiple endocrine neoplasia, type 1. Last evaluated: 2025-10-18. Review status: criteria provided, single submitter. Criteria: Invitae Variant Classification Sherloc (09022015). Collection method: clinical testing. Allele origin: germline.
Comment: This sequence change falls in intron 9 of the MEN1 gene. It does not directly change the encoded amino acid sequence of the MEN1 protein. It affects a nucleotide within the consensus splice site. This variant is not present in population databases (gnomAD no frequency). This variant has not been reported in the literature in individuals affected with MEN1-related conditions. ClinVar contains an entry for this variant (Variation ID: 1770581). Variants that disrupt the consensus splice site are a relatively common cause of aberrant splicing (PMID: 17576681, 9536098). Algorithms developed to predict the effect of sequence changes on RNA splicing suggest that this variant is not likely to affect RNA splicing. In summary, the available evidence is currently insufficient to determine the role of this variant in disease. Therefore, it has been classified as a Variant of Uncertain Significance.

Myriad Genetics, Inc.
Classification: Likely benign for Multiple endocrine neoplasia, type 1. Last evaluated: 2023-12-19. Review status: criteria provided, single submitter. Criteria: Myriad Autosomal Dominant, Autosomal Recessive and X-Linked Classification Criteria (2023). Collection method: clinical testing. Allele origin: unknown.
Comment: This variant is considered likely benign. This variant is intronic and is not expected to impact mRNA splicing.

Literature cited by the submitters: PubMed 17576681 (cited by Labcorp Genetics (formerly Invitae), Labcorp); PubMed 9536098 (cited by Labcorp Genetics (formerly Invitae), Labcorp).